The following is an entry in ClinVar:

ClinVar aggregate classification (germline): Benign/Likely benign. Review status: criteria provided, multiple submitters, no conflicts (2 of 4 stars). 5 submissions from 5 submitters: Benign (2); Likely benign (3). Last evaluated 2025-10-15.

Conditions:
Duane-radial ray syndrome (DRRS). Also called: ACRORENOOCULAR SYNDROME; DR SYNDROME; DUANE ANOMALY WITH RADIAL RAY ABNORMALITIES AND DEAFNESS; Duane-Radial Ray Syndrome/Okihiro Syndrome; Duane-Radial Ray Syndrome (DRRS) / Okihiro Syndrome; Okihiro Syndrome. Identifiers: Orphanet 93293, Orphanet 959, MedGen C1623209, MONDO:0011812, OMIM 607323. Disease mechanism: gain of function.
Oculootoradial syndrome (IVIC). Also called: RADIAL RAY DEFECTS, HEARING IMPAIRMENT, EXTERNAL OPHTHALMOPLEGIA, AND THROMBOCYTOPENIA; IVIC syndrome. Identifiers: Orphanet 2307, MedGen C1327918, MONDO:0007836, OMIM 147750.

Allele frequency attached by ClinVar (database versions not stated): gnomAD 0.00001 and 0.00031; TOPMed 0.00006; ESP Exome Variant Server 0.00008; gnomAD exomes 0.00051 and 0.00104; ExAC 0.00128; 1000 Genomes Project 30x 0.00312; 1000 Genomes Project 0.00359.

Submissions (5):

Labcorp Genetics (formerly Invitae), Labcorp
Classification: Benign for Duane-radial ray syndrome. Last evaluated: 2025-10-15. Review status: criteria provided, single submitter. Criteria: Invitae Variant Classification Sherloc (09022015). Collection method: clinical testing. Allele origin: germline.

Blueprint Genetics
Classification: Likely benign. Last evaluated: 2024-09-23. Review status: criteria provided, single submitter. Criteria: ACMG Guidelines, 2015. Collection method: clinical testing. Allele origin: germline.

CeGaT Center for Human Genetics Tuebingen
Classification: Likely benign. Last evaluated: 2023-01-01. Review status: criteria provided, single submitter. Criteria: CeGaT Center For Human Genetics Tuebingen Variant Classification Criteria Version 2. Collection method: clinical testing. Allele origin: germline. Affected: yes. Observed: 1 variant allele.
Comment: SALL4: BP4, BP7, BS1

Fulgent Genetics
Classification: Likely benign for Oculootoradial syndrome; Duane-radial ray syndrome. Last evaluated: 2022-02-03. Review status: criteria provided, single submitter. Criteria: ACMG Guidelines, 2015. Collection method: clinical testing. Allele origin: unknown.

Breakthrough Genomics
Classification: Benign. Review status: criteria provided, single submitter. Criteria: ACMG Guidelines, 2015. Collection method: not provided. Allele origin: germline. Inheritance: Autosomal dominant inheritance. Affected: yes.

NM_020436.5(SALL4):c.609C>A (p.Ala203=)

Gene: SALL4 (spalt like transcription factor 4; minus strand). Cytogenetic location: 20q13.2.
Variant type: single nucleotide variant.
Coding change: c.609C>A on transcript NM_020436.5 (MANE Select); coding-DNA position 609, C replaced by A.
Protein change: p.Ala203=; no amino-acid change (alanine 203 retained).
Molecular consequence: synonymous variant.
Genome position (GRCh38, 1-based): chr20:51,791,874, G>T on the plus strand (C>A on the coding strand, the complement: SALL4 is on the minus strand). VCF-style: chr20-51791874-G-T. GRCh37 (hg19) VCF-style: chr20-50408413-G-T.
Other names: c.609C>A (LRG_675t1); c.609C>A, p.Ala203= (NM_001318031.2).
Identifiers: ClinVar variation 338779 (VCV000338779.35), dbSNP rs200416079, ClinGen allele CA9912422.